The following is an entry in ClinVar:

NM_021975.4(RELA):c.974G>A (p.Arg325Gln)

Gene: RELA (RELA proto-oncogene, NF-kB subunit; minus strand). Cytogenetic location: 11q13.1.
Variant type: single nucleotide variant.
Coding change: c.974G>A on transcript NM_021975.4 (MANE Select); coding-DNA position 974, G replaced by A.
Protein change: p.Arg325Gln; replaces arginine 325 with glutamine.
Molecular consequence: missense variant.
Genome position (GRCh38, 1-based): chr11:65,655,747, C>T on the plus strand (G>A on the coding strand, the complement: RELA is on the minus strand). VCF-style: chr11-65655747-C-T. GRCh37 (hg19) VCF-style: chr11-65423218-C-T.
Other names: c.965G>A, p.Arg322Gln (NM_001145138.2); c.974G>A, p.Arg325Gln (NM_001243984.2, NM_001243985.2); c.974G>A (NM_021975.3); short protein forms R325Q, R322Q.
Identifiers: ClinVar variation 1405091 (VCV001405091.9), dbSNP rs762060621, ClinGen allele CA6106710.

ClinVar aggregate classification (germline): Uncertain significance. Review status: criteria provided, multiple submitters, no conflicts (2 of 4 stars). 2 submissions from 2 submitters: Uncertain significance (2). Last evaluated 2025-05-04.

Conditions:
Autoinflammatory disease, familial, Behcet-like-3. Also called: Mucocutaneous ulceration, chronic. Identifiers: Orphanet 596759, MedGen C4748997, MONDO:0032659, OMIM 618287.

Allele frequency attached by ClinVar (database versions not stated): ExAC 0.00001; TOPMed 0.00005; gnomAD 0.00006 and 0.00005.
gnomAD v4.1: 54 of 1,613,934 alleles (0.0033%); highest among the groups gnomAD compares: African/African-American, 0.0067%; no homozygotes.

Submissions (2):

Labcorp Genetics (formerly Invitae), Labcorp
Classification: Uncertain significance. Last evaluated: 2025-05-04. Review status: criteria provided, single submitter. Criteria: Invitae Variant Classification Sherloc (09022015). Collection method: clinical testing. Allele origin: germline.
Comment: This sequence change replaces arginine, which is basic and polar, with glutamine, which is neutral and polar, at codon 325 of the RELA protein (p.Arg325Gln). This variant is present in population databases (rs762060621, gnomAD 0.004%). This variant has not been reported in the literature in individuals affected with RELA-related conditions. ClinVar contains an entry for this variant (Variation ID: 1405091). An algorithm developed to predict the effect of missense changes on protein structure and function (PolyPhen-2) suggests that this variant is likely to be tolerated. In summary, the available evidence is currently insufficient to determine the role of this variant in disease. Therefore, it has been classified as a Variant of Uncertain Significance.

Ambry Genetics
Classification: Uncertain significance. Last evaluated: 2024-06-26. Review status: criteria provided, single submitter. Criteria: Ambry Variant Classification Scheme 2023. Collection method: clinical testing. Allele origin: germline.